The following is an entry in ClinVar:

ClinVar aggregate classification (germline): Conflicting classifications of pathogenicity. Review status: criteria provided, conflicting classifications (1 of 4 stars). 2 submissions from 2 submitters: Likely pathogenic (1); Uncertain significance (1). Last evaluated 2024-06-26.

Conditions:
Torsion dystonia 6 (DYT6). Also called: DYT-THAP1. Identifiers: Orphanet 98806, MedGen C1414216, MONDO:0011264, OMIM 602629.

Submissions (2):

GeneDx
Classification: Likely pathogenic. Last evaluated: 2024-06-26. Review status: criteria provided, single submitter. Criteria: GeneDx Variant Classification Process June 2021. Collection method: clinical testing. Allele origin: germline. Affected: yes.
Comment: Canonical splice site variant predicted to result in an in-frame loss of the adjacent exon in a gene for which loss of function is a known mechanism of disease; Not observed at significant frequency in large population cohorts (gnomAD); Has not been previously published as pathogenic or benign to our knowledge

Labcorp Genetics (formerly Invitae), Labcorp
Classification: Uncertain significance for Torsion dystonia 6. Last evaluated: 2023-06-26. Review status: criteria provided, single submitter. Criteria: Invitae Variant Classification Sherloc (09022015). Collection method: clinical testing. Allele origin: germline.
Comment: In summary, the available evidence is currently insufficient to determine the role of this variant in disease. Therefore, it has been classified as a Variant of Uncertain Significance. Variants that disrupt the consensus splice site are a relatively common cause of aberrant splicing (PMID: 17576681, 9536098). Algorithms developed to predict the effect of sequence changes on RNA splicing suggest that this variant may disrupt the consensus splice site. ClinVar contains an entry for this variant (Variation ID: 965170). This variant has been observed in individuals with dystonia (Invitae). This variant is not present in population databases (gnomAD no frequency). This variant results in the deletion of part of exon 3 (c.268-53_386del) of the THAP1 gene. While this variant is not anticipated to result in nonsense mediated decay, it likely alters RNA splicing and results in a disrupted protein product.

Literature cited by the submitters: PubMed 17576681 (cited by Labcorp Genetics (formerly Invitae), Labcorp); PubMed 9536098 (cited by Labcorp Genetics (formerly Invitae), Labcorp).

NM_018105.3(THAP1):c.268-53_386del

Gene: THAP1 (THAP domain containing 1; minus strand). Cytogenetic location: 8p11.21.
Variant type: Deletion.
Coding change: c.268-53_386del on transcript NM_018105.3 (MANE Select); 53 bases into the intron before coding-DNA position 268 through coding-DNA position 386, 172 bases deleted.
Molecular consequence: splice acceptor variant.
Genome position (GRCh38, 1-based): chr8:42,838,218-42,838,389, 172 bases deleted. GRCh37 (hg19): chr8:42,693,364-42,693,535.
Other names: c.72-53_*28del (NM_199003.2).
Identifiers: ClinVar variation 965170 (VCV000965170.4), dbSNP rs1802651118, ClinGen allele CA1139660494.